The following is an entry in ClinVar:

ClinVar aggregate classification (germline): Likely pathogenic (1 of 4 stars; one submission).

Conditions:
Progressive familial intrahepatic cholestasis type 2. Identifiers: Orphanet 79304, MedGen C3489789, MONDO:0011156, OMIM 601847.

Submission:

Natera, Inc.
Classification: Likely pathogenic for Progressive familial intrahepatic cholestasis type 2. Last evaluated: 2024-10-21. Review status: criteria provided, single submitter. Criteria: Natera Variant Classification Schema (03/2026). Collection method: clinical testing. Allele origin: germline.
Comment: The c.2076-2A>G variant in ABCB11 is a canonical splice acceptor site variant predicted to affect pre-mRNA splicing, which may result in an abnormal transcript and altered protein product. This variant is expected to result in nonsense mediated decay, truncation, or a dysfunctional protein product. This variant is rare in the general population with a frequency below the threshold expected for the associated phenotype(s). Given the available evidence, this variant is classified as Likely Pathogenic.

NM_003742.4(ABCB11):c.2076-2A>G

Gene: ABCB11 (ATP binding cassette subfamily B member 11; minus strand). Cytogenetic location: 2q31.1.
Variant type: single nucleotide variant.
Coding change: c.2076-2A>G on transcript NM_003742.4 (MANE Select); the canonical splice acceptor site of the intron before coding-DNA position 2076, A replaced by G.
Molecular consequence: splice acceptor variant.
Genome position (GRCh38, 1-based): chr2:168,964,310, T>C on the plus strand (A>G on the coding strand, the complement: ABCB11 is on the minus strand). VCF-style: chr2-168964310-T-C. GRCh37 (hg19) VCF-style: chr2-169820820-T-C.
Identifiers: ClinVar variation 4815269 (VCV004815269.1).
Genomic context (GRCh38, chr2:168,964,310, plus strand): 5'-ATGGAGGTTCGTGCACCAGGTAAGAAAGCTGAGACTTGGAGCGTTGCCGGATGGAAGCCC[T>C]GTAAATAAACAGAAAGATGAAACAGTGTAGACTGTGGCCAGATTGGAGCAGGATCAACTG-3'